The following is an entry in ClinVar:

NM_001290060.2(SEMA3B):c.1588C>T (p.Arg530Cys)

Gene: SEMA3B (semaphorin 3B; plus strand). Cytogenetic location: 3p21.31.
Variant type: single nucleotide variant.
Coding change: c.1588C>T on transcript NM_001290060.2 (MANE Select); coding-DNA position 1588, C replaced by T.
Protein change: p.Arg530Cys; replaces arginine 530 with cysteine.
Molecular consequence: missense variant.
Genome position (GRCh38, 1-based): chr3:50,275,398, C>T. VCF-style: chr3-50275398-C-T. GRCh37 (hg19) VCF-style: chr3-50312829-C-T.
Other names: c.1585C>T, p.Arg529Cys (NM_001005914.3, NM_001435957.1, NM_001435958.1); c.1603C>T, p.Arg535Cys (NM_001290061.1); c.559C>T, p.Arg187Cys (NM_001290062.2, NM_001290063.2); c.1588C>T, p.Arg530Cys (NM_001435956.1, NM_004636.4); short protein forms R187C, R535C, R529C, R530C.
Identifiers: ClinVar variation 4985262 (VCV004985262.1).

ClinVar aggregate classification (germline): Uncertain significance (1 of 4 stars; one submission).

Conditions:
SEMA3B-related disorder. Also called: SEMA3B-related condition.

gnomAD v4.1: 7 of 1,595,512 alleles (0.00044%); highest among the groups gnomAD compares: Non-Finnish European, 0.00051%; no homozygotes.

Submission:

PreventionGenetics, part of Exact Sciences
Classification: Uncertain significance for SEMA3B-related condition. Last evaluated: 2025-02-28. Review status: criteria provided, single submitter. Criteria: ACMG Guidelines, 2015. Collection method: clinical testing. Allele origin: germline.
Comment: The SEMA3B c.1603C>T variant is predicted to result in the amino acid substitution p.Arg535Cys. To our knowledge, this variant has not been reported in the literature or in a large population database (gnomAD), indicating this variant is rare. At this time, the clinical significance of this variant is uncertain due to the absence of conclusive functional and genetic evidence.